The following is an entry in ClinVar:

ClinVar aggregate classification (germline): Uncertain significance (0 of 4 stars; one submission).

Conditions:
Carcinoma of colon (CRC). Also called: Colonic carcinoma; Colon carcinoma. Identifiers: MedGen C0699790, MONDO:0002032.

gnomAD v4.1: 1 of 1,606,658 alleles (0.000062%); highest among the groups gnomAD compares: Non-Finnish European, 0.000085%; no homozygotes.

Submission:

Immunobiology Lab; University of Kashmir
Classification: Uncertain significance for Carcinoma of colon. Last evaluated: 2015-01-24. Review status: no assertion criteria provided. Collection method: case-control. Allele origin: somatic. Affected: yes. Study: Mutational Hotspot profiling of Tyrosine Kinase domain of VEGF receptors in Human colorectal tumors.
Comment: The variation(s) were confirmed by double pass sequencing of PCR products amplified from genomic DNA of colonic lesions fron colorectal patients

NM_002253.4(KDR):c.2721G>C (p.Lys907Asn)

Gene: KDR (kinase insert domain receptor; minus strand). Cytogenetic location: 4q12.
Variant type: single nucleotide variant.
Coding change: c.2721G>C on transcript NM_002253.4 (MANE Select); coding-DNA position 2721, G replaced by C.
Protein change: p.Lys907Asn; replaces lysine 907 with asparagine.
Molecular consequence: missense variant.
Genome position (GRCh38, 1-based): chr4:55,096,236, C>G on the plus strand (G>C on the coding strand, the complement: KDR is on the minus strand). VCF-style: chr4-55096236-C-G. GRCh37 (hg19) VCF-style: chr4-55962403-C-G.
Other names: KP761784; short protein forms K907N.
Identifiers: ClinVar variation 204329 (VCV000204329.3), dbSNP rs200773668, ClinGen allele CA251255.